The following is an entry in ClinVar:

NC_000016.9:g.(?_89805009)_(89858965_?)dup

Genes: ZNF276 (zinc finger protein 276; plus strand), FANCA (FA complementation group A; minus strand). Cytogenetic location: 16q24.3.
Variant type: Duplication.
Identifiers: ClinVar variation 1046212 (VCV001046212.5).

ClinVar aggregate classification (germline): Uncertain significance (1 of 4 stars; one submission).

Conditions:
Fanconi anemia (FA). Also called: Fanconi's anemia. Identifiers: Orphanet 84, MedGen C0015625, MeSH D005199, MONDO:0019391.

Submission:

Labcorp Genetics (formerly Invitae), Labcorp
Classification: Uncertain significance for Fanconi anemia. Last evaluated: 2020-02-10. Review status: criteria provided, single submitter. Criteria: Invitae Variant Classification Sherloc (09022015). Collection method: clinical testing. Allele origin: germline.
Comment: In summary, the available evidence is currently insufficient to determine the role of this variant in disease. Therefore, it has been classified as a Variant of Uncertain Significance. This variant has not been reported in the literature in individuals with FANCA-related conditions. This variant results in a copy number gain of the genomic region encompassing exons 12-43 of the FANCA gene. The 5' boundary is likely confined to intron 11. The 3' end of this event is unknown as it extends beyond the assayed region for this gene and therefore may encompass additional genes. As the precise location of this event is unknown, it may be in tandem or it may be located elsewhere in the genome.